The following continues an entry in ClinVar:

NM_000051.4(ATM):c.6115G>A (p.Glu2039Lys)

ClinVar aggregate classification (germline): Uncertain significance. Uncertain significance (1).

Submissions 7 to 13 of 13:

Myriad Genetics, Inc.
Classification: Likely pathogenic for Familial cancer of breast. Last evaluated: 2024-01-29. Review status: criteria provided, single submitter. Criteria: Myriad Autosomal Dominant, Autosomal Recessive and X-Linked Classification Criteria (2023). Collection method: clinical testing. Allele origin: unknown. Not counted in ClinVar's aggregate classification.
Comment: This variant is considered likely pathogenic. This variant has been reported in multiple individuals with clinical features of gene-specific disease [PMID: 22071889, 30549301, 27142713]. Functional studies indicate this variant impacts protein function [PMID: 19431188, 30549301].

Baylor Genetics
Classification: Likely pathogenic for Familial cancer of breast. Last evaluated: 2023-12-15. Review status: criteria provided, single submitter. Criteria: ACMG Guidelines, 2015. Collection method: clinical testing. Allele origin: unknown. Not counted in ClinVar's aggregate classification.

Sema4
Classification: Likely pathogenic for Hereditary cancer-predisposing syndrome. Last evaluated: 2022-01-26. Review status: criteria provided, single submitter. Criteria: Sema4 Curation Guidelines. Collection method: curation. Allele origin: germline. Not counted in ClinVar's aggregate classification.
Comment: The ATM c.6115G>A (p.E2039K) variant has been reported as compound heterozygous in at least three individuals with ataxia telangiectasia (PMID: 22071889, 26896183, 30549301). At least one of these individuals was noted to maintain ambulation into adulthood (PMID: 19431188). It has also been reported in heterozygosity in at least 7 individuals with breast cancer (PMID: 19781682, 28975465, 30303537, 33471991). In silico predictions of the variant's effect on protein function are inconclusive and functional studies have shown that this variant does not alter protein expression or nuclear localization; however, it does demonstrate reduced kinase activity and impaired response to ionizing radiation (PMID: 19431188, 22071889). It was observed in 1/30616 chromosomes of the South Asian subpopulation in the Genome Aggregation Database (PMID: 32461654). The variant has been reported in ClinVar (Variation ID 219787). Based on the current evidence available, this variant is interpreted as likely pathogenic.

Biomedical Genomics and Oncogenetics Laboratory, Institut Pasteur de Tunis, University Tunis El Manar
Classification: Pathogenic for Familial cancer of breast. Review status: criteria provided, single submitter. Criteria: ACMG Guidelines, 2015. Collection method: clinical testing. Allele origin: germline. Inheritance: Autosomal dominant inheritance. Affected: yes. Observed: 4 variant alleles. Not counted in ClinVar's aggregate classification.
Comment: This variant segregates with the condition in 3 unrelated families. Family segregation analysis (sequencing of 2 or more affected cases) was only possible in one family

PreventionGenetics, part of Exact Sciences
Classification: Likely pathogenic for ATM-related condition. Last evaluated: 2024-01-13. Review status: no assertion criteria provided. Collection method: clinical testing. Allele origin: germline. Not counted in ClinVar's aggregate classification.
Comment: The ATM c.6115G>A variant is predicted to result in the amino acid substitution p.Glu2039Lys. This variant has been observed in multiple individuals with breast cancer (Table S2 - Tavtigian et al. 2009. PubMed ID: 19781682; Table S4 - Siraj et al. 2017. PubMed ID: 28975465). Additionally, this variant has been reported with another variant in the compound heterozygous state in an individual with ataxia-telangiectasia (Jacquemin et al. 2012. PubMed ID: 22071889). Functional studies demonstrated reduced kinase activity (Barone et al. 2009. PubMed ID: 19431188) and defective response to ionizing radiation (Jacquemin et al. 2012. PubMed ID: 22071889). This variant is reported in 0.0033% of alleles in individuals of South Asian descent in gnomAD and has conflicting interpretations of pathogenicity of uncertain and likely pathogenic in ClinVar. This variant is interpreted as likely pathogenic.

CZECANCA consortium
Classification: Likely pathogenic for Breast and/or ovarian cancer. Last evaluated: 2019-06-11. Review status: no assertion criteria provided. Collection method: clinical testing. Allele origin: germline. Affected: yes. Observed: 1 variant allele. Not counted in ClinVar's aggregate classification.

Spanish ATM Cancer Susceptibility Variant Interpretation Working Group
Classification: Uncertain significance for Hereditary cancer-predisposing syndrome. Last evaluated: 2020-06-17. Review status: flagged submission. Criteria: Feliubadaló L et al. (Clin Chem 2021). Collection method: clinical testing. Allele origin: germline. Affected: yes. Observed: 1 heterozygote. Not counted in ClinVar's aggregate classification.
Comment: The c.6115G>A (p.Glu2039Lys) variant appears only once in the gnomAD v2.1.1 non-cancer dataset (0.0004% frequency), specifically in the South Asian subpopulation (PM2). This missense variant is not predicted to lead to a splicing alteration as per SPiCE predictor and no splicing site is created/activated according to at least 3 splicing predictors of the set SpliceSiteFinderlike - MaxEntScan - NNSplice – GeneSplicer, but it alters the protein function / structure on the in-silico prediction reports of REVEL and PROVEAN (PP3). Functional studies with the variant protein modelled in an ATM-null lymphoblastoid cell line and proper controls showed that the protein was stable but but retained relatively little kinase activity (no functional criterion met; PMID: 19431188). The variant was found in one ataxia telangiectasia proband with another missense variant (PS4_Supporting; PMID: 22071889). There is no other supporting data that meet criteria for consideration. Therefore, the clinical significance of this variant is uncertain. Adapted ACMG/AMP rules applied as defined by the Spanish ATM working group: PM2 + PP3 + PS4_Supporting (PMID: 33280026).
ClinVar note: Reason: Outlier claim with insufficient supporting evidence

Literature cited by the submitters: PubMed 19781682 (cited by 4 submitters); PubMed 22071889 (cited by 6 submitters); PubMed 26896183 (cited by 3 submitters); PubMed 30303537 (cited by 4 submitters); PubMed 30549301 (cited by 6 submitters); PubMed 19431188 (cited by 7 submitters); PubMed 27142713 (cited by Natera, Inc. and Myriad Genetics, Inc.); PubMed 22234840 (cited by Ambry Genetics); PubMed 28975465 (cited by 3 submitters); PubMed 33280026 (cited by Ambry Genetics); PubMed 33471991 (cited by 3 submitters); PubMed 35892882 (cited by Ambry Genetics and Color Diagnostics, LLC DBA Color Health); PubMed 35893033 (cited by Ambry Genetics and Color Diagnostics, LLC DBA Color Health); PubMed 38017116 (cited by Ambry Genetics and Color Diagnostics, LLC DBA Color Health); PubMed 38313678 (cited by Ambry Genetics); PubMed 32295079 (cited by CZECANCA consortium).